The following is an entry in ClinVar:

NM_003049.4(SLC10A1):c.664_665del (p.Leu222fs)

Gene: SLC10A1 (solute carrier family 10 member 1; minus strand). Cytogenetic location: 14q24.1.
Variant type: Deletion.
Coding change: c.664_665del on transcript NM_003049.4 (MANE Select); coding-DNA positions 664 to 665, 2 bases deleted (TT; older notation c.664_665delTT).
Protein change: p.Leu222fs; shifts the reading frame from leucine 222.
Molecular consequence: frameshift variant.
Genome position (GRCh38, 1-based): chr14:69,779,263-69,779,264, AA deleted on the plus strand (TT on the coding strand, the reverse complement: SLC10A1 is on the minus strand). VCF-style (leftmost placement, unchanged base first): chr14-69779262-CAA-C. GRCh37 (hg19) VCF-style: chr14-70245979-CAA-C.
Other names: c.664_665delTT (NM_003049.3); short protein forms L222fs.
Identifiers: ClinVar variation 502734 (VCV000502734.7), dbSNP rs765246704, ClinGen allele CA7246053.

ClinVar aggregate classification (germline): Conflicting classifications of pathogenicity. Review status: criteria provided, conflicting classifications (1 of 4 stars). 3 submissions from 3 submitters: Likely pathogenic (1); Uncertain significance (1). 1 of the submissions does not count toward it. Last evaluated 2024-11-15.

Conditions:
SLC10A1-related disorder. Also called: SLC10A1-related condition.
Hypercholanemia, familial, 2. Also called: NTCP deficiency. Identifiers: MedGen C5543243, MONDO:0031003, OMIM 619256. Disease mechanism: loss of function.

Allele frequency attached by ClinVar (database versions not stated): gnomAD exomes 0.00002 and 0.00003; ExAC 0.00002; gnomAD 0.00005 and 0.00006; TOPMed 0.00005.

Submissions (3):

Human Genetics Bochum, Ruhr University Bochum
Classification: Likely pathogenic for Hypercholanemia, familial, 2. Last evaluated: 2024-11-15. Review status: criteria provided, single submitter. Criteria: ACMG Guidelines, 2015. Collection method: clinical testing. Allele origin: germline. Affected: yes.
Comment: in homozygous state; ACMG criteria used to clasify this variant: PVS1, PM3_sup

Eurofins Ntd Llc (ga)
Classification: Uncertain significance. Last evaluated: 2017-06-28. Review status: criteria provided, single submitter. Criteria: EGL Classification Definitions 2015. Collection method: clinical testing. Allele origin: germline. Observed: 1 variant allele, 1 heterozygote.

PreventionGenetics, part of Exact Sciences
Classification: Likely pathogenic for SLC10A1-related condition. Last evaluated: 2024-03-21. Review status: no assertion criteria provided. Collection method: clinical testing. Allele origin: germline. Not counted in ClinVar's aggregate classification.
Comment: The SLC10A1 c.664_665delTT variant is predicted to result in a frameshift and premature protein termination (p.Leu222Aspfs*55). To our knowledge, this variant has not been reported in the literature. This variant is reported in 0.015% of alleles in individuals of East Asian descent in gnomAD. Frameshift variants in SLC10A1 are expected to be pathogenic. This variant is interpreted as likely pathogenic.